The following is an entry in ClinVar:

ClinVar aggregate classification (germline): Uncertain significance (1 of 4 stars; one submission).

Conditions:
Long QT syndrome (LQTS). Identifiers: MedGen C0023976, MeSH D008133, MONDO:0002442. Disease mechanism: loss of function. Inheritance: Various modes of inheritance.

gnomAD v4.1: 1 of 1,587,334 alleles (0.000063%); no homozygotes.

Submission:

Labcorp Genetics (formerly Invitae), Labcorp
Classification: Uncertain significance for Long QT syndrome. Last evaluated: 2023-06-10. Review status: criteria provided, single submitter. Criteria: Invitae Variant Classification Sherloc (09022015). Collection method: clinical testing. Allele origin: germline.
Comment: In summary, the available evidence is currently insufficient to determine the role of this variant in disease. Therefore, it has been classified as a Variant of Uncertain Significance. Variants that disrupt the consensus splice site are a relatively common cause of aberrant splicing (PMID: 17576681, 9536098). Algorithms developed to predict the effect of sequence changes on RNA splicing suggest that this variant is not likely to affect RNA splicing. This variant has not been reported in the literature in individuals affected with CACNA1C-related conditions. This variant is not present in population databases (gnomAD no frequency). This sequence change falls in intron 1 of the CACNA1C gene. It does not directly change the encoded amino acid sequence of the CACNA1C protein. It affects a nucleotide within the consensus splice site.

Literature cited by the submitters: PubMed 17576681; PubMed 9536098.

NM_000719.7(CACNA1C):c.49+6G>A

Gene: CACNA1C (calcium voltage-gated channel subunit alpha1 C; plus strand). Cytogenetic location: 12p13.33.
Variant type: single nucleotide variant.
Coding change: c.49+6G>A on transcript NM_000719.7 (MANE Select); 6 bases into the intron after coding-DNA position 49, G replaced by A.
Molecular consequence: intron variant.
Genome position (GRCh38, 1-based): chr12:2,053,617, G>A. VCF-style: chr12-2053617-G-A. GRCh37 (hg19) VCF-style: chr12-2162783-G-A.
Other names: c.49+6G>A (NM_001167624.3, NM_001167623.2, NM_001167625.2 and 19 more transcripts).
Identifiers: ClinVar variation 2999217 (VCV002999217.3), dbSNP rs2053014164, ClinGen allele CA2617059976.